The following is an entry in ClinVar:

ClinVar aggregate classification (germline): Uncertain significance (1 of 4 stars; one submission).

Conditions:
LEP-related disorder. Also called: LEP-related condition.

Submission:

PreventionGenetics, part of Exact Sciences
Classification: Uncertain significance for LEP-related condition. Last evaluated: 2025-12-09. Review status: criteria provided, single submitter. Criteria: ACMG Guidelines, 2015. Collection method: clinical testing. Allele origin: germline.
Comment: The LEP c.14C>T variant is predicted to result in the amino acid substitution p.Thr5Ile. To our knowledge, this variant has not been reported in the literature or in a large population database (gnomAD), indicating this variant is rare. At this time, the clinical significance of this variant is uncertain due to the absence of conclusive functional and genetic evidence.

NM_000230.3(LEP):c.14C>T (p.Thr5Ile)

Gene: LEP (leptin; plus strand). Cytogenetic location: 7q32.1.
Variant type: single nucleotide variant.
Coding change: c.14C>T on transcript NM_000230.3 (MANE Select); coding-DNA position 14, C replaced by T.
Protein change: p.Thr5Ile; replaces threonine 5 with isoleucine.
Molecular consequence: missense variant.
Genome position (GRCh38, 1-based): chr7:128,252,032, C>T. VCF-style: chr7-128252032-C-T. GRCh37 (hg19) VCF-style: chr7-127892085-C-T.
Other names: short protein forms T5I.
Identifiers: ClinVar variation 4998647 (VCV004998647.1).
Genomic context (GRCh38, chr7:128,252,032, plus strand): 5'-TGGTTCCTTCTGTTTTCAGGCCCAAGAAGCCCATCCTGGGAAGGAAAATGCATTGGGGAA[C>T]CCTGTGCGGATTCTTGTGGCTTTGGCCCTATCTTTTCTATGTCCAAGCTGTGCCCATCCA-3'
Protein context (NP_000221.1, residues 1-15): MHWG[Thr5Ile]LCGFLWLWPY